The following is an entry in ClinVar:

ClinVar aggregate classification (germline): Uncertain significance. Review status: criteria provided, multiple submitters, no conflicts (2 of 4 stars). 6 submissions from 6 submitters: Uncertain significance (6). Last evaluated 2025-11-12.

Conditions:
King Denborough syndrome (KDS). Identifiers: MedGen C1840365, MONDO:0020485, OMIM 619542.
Congenital multicore myopathy with external ophthalmoplegia (CMYO1B). Also called: Congenital myopathy 1B, autosomal recessive; Minicore myopathy; MULTIMINICORE DISEASE WITH EXTERNAL OPHTHALMOPLEGIA; Minicore myopathy with external ophthalmoplegia; MULTICORE MYOPATHY. Identifiers: Orphanet 598, Orphanet 98905, MedGen C1850674, MONDO:0009712, OMIM 255320, HP:0003789.
Central core myopathy (CMYO1A). Also called: CONGENITAL MYOPATHY 1A, AUTOSOMAL DOMINANT, WITH SUSCEPTIBILITY TO MALIGNANT HYPERTHERMIA; Central core disease; Myopathy, central fibrillar. Identifiers: Orphanet 597, MedGen C5830701, MONDO:0007294, OMIM 117000.
Malignant hyperthermia, susceptibility to, 1 (MHS1). Also called: Malignant hyperthermia suceptibility 1; RYR1-Related Malignant Hyperthermia Susceptibility; Anesthesia related hyperthermia; Malignant hyperpyrexia; Fulminating hyperpyrexia; Pharmacogenic myopathy. Identifiers: Orphanet 423, MedGen C2930980, MONDO:0007783, OMIM 145600.
Congenital myopathy with fiber type disproportion. Also called: Congenital fiber-type disproportion; Congenital fiber-type disproportion myopathy. Identifiers: Orphanet 2020, MedGen C0546264, MONDO:0009711. Inheritance: all.
Inborn genetic diseases. Identifiers: MedGen C0950123, MeSH D030342.
RYR1-related disorder. Also called: RYR1-related condition; RYR1-related disorders. Identifiers: MedGen CN239331.

Allele frequency attached by ClinVar (database versions not stated): TOPMed below 0.00001; ExAC 0.00002.
gnomAD v4.1: 39 of 1,614,182 alleles (0.0024%); highest among the groups gnomAD compares: South Asian, 0.021%; 1 homozygote.

Submissions (6):

Labcorp Genetics (formerly Invitae), Labcorp
Classification: Uncertain significance for RYR1-related disorder. Last evaluated: 2025-11-12. Review status: criteria provided, single submitter. Criteria: Invitae Variant Classification Sherloc (09022015). Collection method: clinical testing. Allele origin: germline.
Comment: This sequence change replaces glutamic acid, which is acidic and polar, with aspartic acid, which is acidic and polar, at codon 1166 of the RYR1 protein (p.Glu1166Asp). This variant is present in population databases (rs546323484, gnomAD 0.01%). This variant has not been reported in the literature in individuals affected with RYR1-related conditions. ClinVar contains an entry for this variant (Variation ID: 808540). Invitae Evidence Modeling of protein sequence and biophysical properties (such as structural, functional, and spatial information, amino acid conservation, physicochemical variation, residue mobility, and thermodynamic stability) indicates that this missense variant is not expected to disrupt RYR1 protein function with a negative predictive value of 95%. In summary, the available evidence is currently insufficient to determine the role of this variant in disease. Therefore, it has been classified as a Variant of Uncertain Significance.

Color Diagnostics, LLC DBA Color Health
Classification: Uncertain significance for Malignant hyperthermia, susceptibility to, 1. Last evaluated: 2025-11-03. Review status: criteria provided, single submitter. Criteria: ACMG Guidelines, 2015. Collection method: clinical testing. Allele origin: germline.
Comment: This missense variant replaces glutamic acid with aspartic acid at codon 1166 of the RYR1 protein. Computational prediction suggests that this variant may not impact protein structure and function. To our knowledge, functional studies have not been reported for this variant. This variant has not been reported in individuals affected with RYR1-related disorders in the literature. This variant has been identified in 6/251484 chromosomes in the general population by the Genome Aggregation Database (gnomAD). The available evidence is insufficient to determine the role of this variant in disease conclusively. Therefore, this variant is classified as a Variant of Uncertain Significance.

Revvity Omics, Revvity
Classification: Uncertain significance. Last evaluated: 2025-06-16. Review status: criteria provided, single submitter. Criteria: ACMG Guidelines, 2015. Collection method: clinical testing. Allele origin: germline.

Ambry Genetics
Classification: Uncertain significance for Inborn genetic diseases. Last evaluated: 2025-06-12. Review status: criteria provided, single submitter. Criteria: Ambry Variant Classification Scheme 2023. Collection method: clinical testing. Allele origin: germline.

Fulgent Genetics
Classification: Uncertain significance for Central core myopathy; Malignant hyperthermia, susceptibility to, 1; Congenital myopathy 4A, autosomal dominant; Congenital multicore myopathy with external ophthalmoplegia; King Denborough syndrome. Last evaluated: 2021-12-23. Review status: criteria provided, single submitter. Criteria: ACMG Guidelines, 2015. Collection method: clinical testing. Allele origin: unknown.

CeGaT Center for Human Genetics Tuebingen
Classification: Uncertain significance. Last evaluated: 2018-09-01. Review status: criteria provided, single submitter. Criteria: CeGaT Center For Human Genetics Tuebingen Variant Classification Criteria Version 2. Collection method: clinical testing. Allele origin: germline. Affected: yes. Observed: 1 variant allele.

NM_000540.3(RYR1):c.3498G>C (p.Glu1166Asp)

Gene: RYR1 (ryanodine receptor 1; plus strand). Cytogenetic location: 19q13.2.
Variant type: single nucleotide variant.
Coding change: c.3498G>C on transcript NM_000540.3 (MANE Select); coding-DNA position 3498, G replaced by C.
Protein change: p.Glu1166Asp; replaces glutamic acid 1166 with aspartic acid.
Molecular consequence: missense variant.
Genome position (GRCh38, 1-based): chr19:38,469,082, G>C. VCF-style: chr19-38469082-G-C. GRCh37 (hg19) VCF-style: chr19-38959722-G-C.
Other names: c.3498G>C, p.Glu1166Asp (NM_001042723.2); c.3498G>C (NM_000540.2); short protein forms E1166D.
Identifiers: ClinVar variation 808540 (VCV000808540.48), dbSNP rs546323484, ClinGen allele CA064940.